The following is an entry in ClinVar:

NM_000719.7(CACNA1C):c.2339+9C>G

Gene: CACNA1C (calcium voltage-gated channel subunit alpha1 C; plus strand). Cytogenetic location: 12p13.33.
Variant type: single nucleotide variant.
Coding change: c.2339+9C>G on transcript NM_000719.7 (MANE Select); 9 bases into the intron after coding-DNA position 2339, C replaced by G.
Molecular consequence: intron variant.
Genome position (GRCh38, 1-based): chr12:2,584,626, C>G. VCF-style: chr12-2584626-C-G. GRCh37 (hg19) VCF-style: chr12-2693792-C-G.
Other names: c.2339+9C>G (NM_001167624.3, NM_001167623.2, NM_001167625.2 and 18 more transcripts); c.2330+9C>G (NM_001129844.2).
Identifiers: ClinVar variation 1428090 (VCV001428090.8), dbSNP rs2153229578, ClinGen allele CA2573148389.

ClinVar aggregate classification (germline): Uncertain significance (1 of 4 stars; one submission).

Conditions:
Long QT syndrome (LQTS). Identifiers: MedGen C0023976, MeSH D008133, MONDO:0002442. Disease mechanism: loss of function. Inheritance: Various modes of inheritance.

Submission:

Labcorp Genetics (formerly Invitae), Labcorp
Classification: Uncertain significance for Long QT syndrome. Last evaluated: 2021-05-17. Review status: criteria provided, single submitter. Criteria: Invitae Variant Classification Sherloc (09022015). Collection method: clinical testing. Allele origin: germline.
Comment: This sequence change falls in intron 16 of the CACNA1C gene. It does not directly change the encoded amino acid sequence of the CACNA1C protein. This variant is not present in population databases (ExAC no frequency). This variant has not been reported in the literature in individuals with CACNA1C-related conditions. In summary, the available evidence is currently insufficient to determine the role of this variant in disease. Therefore, it has been classified as a Variant of Uncertain Significance. Algorithms developed to predict the effect of sequence changes on RNA splicing suggest that this variant may create or strengthen a splice site, but this prediction has not been confirmed by published transcriptional studies.